The following is an entry in ClinVar:

NM_014946.4(SPAST):c.1069del (p.Ile357fs)

Gene: SPAST (spastin; plus strand). Cytogenetic location: 2p22.3.
Variant type: Deletion.
Coding change: c.1069del on transcript NM_014946.4 (MANE Select); coding-DNA position 1069, one base deleted (A; older notation c.1069delA).
Protein change: p.Ile357fs; shifts the reading frame from isoleucine 357.
Molecular consequence: frameshift variant.
Genome position (GRCh38, 1-based): chr2:32,116,183, A deleted; the last of 3 consecutive A bases (chr2:32,116,181-32,116,183); deleting any one gives the same sequence. VCF-style (leftmost placement, unchanged base first): chr2-32116180-GA-G. GRCh37 (hg19) VCF-style: chr2-32341249-GA-G.
Other names: c.1066del, p.Ile356fs (NM_001363823.2); c.970del, p.Ile324fs (NM_001363875.2); c.973del, p.Ile325fs (NM_001377959.1, NM_199436.2); short protein forms I324fs, I325fs, I356fs, I357fs.
Identifiers: ClinVar variation 1076483 (VCV001076483.9), dbSNP rs2148734579, ClinGen allele CA2499215901.

ClinVar aggregate classification (germline): Pathogenic (1 of 4 stars; one submission).

Conditions:
Hereditary spastic paraplegia 4. Also called: Spastic paraplegia 4, autosomal dominant; Spastic Paraplegia 4; Familial spastic paraplegia autosomal dominant 2. Identifiers: Orphanet 100985, MedGen C1866855, MONDO:0008438, OMIM 182601.

Submission:

Labcorp Genetics (formerly Invitae), Labcorp
Classification: Pathogenic for Hereditary spastic paraplegia 4. Last evaluated: 2022-08-15. Review status: criteria provided, single submitter. Criteria: Invitae Variant Classification Sherloc (09022015). Collection method: clinical testing. Allele origin: germline.
Comment: For these reasons, this variant has been classified as Pathogenic. ClinVar contains an entry for this variant (Variation ID: 1076483). This premature translational stop signal has been observed in individual(s) with clinical features of hereditary spastic paraplegia (PMID: 20562464). This variant is not present in population databases (gnomAD no frequency). This sequence change creates a premature translational stop signal (p.Ile357Leufs*7) in the SPAST gene. It is expected to result in an absent or disrupted protein product. Loss-of-function variants in SPAST are known to be pathogenic (PMID: 20932283).

Literature cited by the submitters: PubMed 20562464; PubMed 20932283.